The following is an entry in ClinVar:

ClinVar aggregate classification (germline): Uncertain significance (1 of 4 stars; one submission).

Submission:

Labcorp Genetics (formerly Invitae), Labcorp
Classification: Uncertain significance. Last evaluated: 2022-10-20. Review status: criteria provided, single submitter. Criteria: Invitae Variant Classification Sherloc (09022015). Collection method: clinical testing. Allele origin: germline.
Comment: This sequence change affects codon 20 of the ATR mRNA. It is a 'silent' change, meaning that it does not change the encoded amino acid sequence of the ATR protein. It affects a nucleotide within the consensus splice site. This variant is not present in population databases (gnomAD no frequency). This variant has not been reported in the literature in individuals affected with ATR-related conditions. Algorithms developed to predict the effect of sequence changes on RNA splicing suggest that this variant is not likely to affect RNA splicing. In summary, the available evidence is currently insufficient to determine the role of this variant in disease. Therefore, it has been classified as a Variant of Uncertain Significance.

NM_001184.4(ATR):c.60T>C (p.Ser20=)

Gene: ATR (ATR checkpoint kinase; minus strand). Cytogenetic location: 3q23.
Variant type: single nucleotide variant.
Coding change: c.60T>C on transcript NM_001184.4 (MANE Select); coding-DNA position 60, T replaced by C.
Protein change: p.Ser20=; no amino-acid change (serine 20 retained).
Molecular consequence: synonymous variant.
Genome position (GRCh38, 1-based): chr3:142,568,154, A>G on the plus strand (T>C on the coding strand, the complement: ATR is on the minus strand). VCF-style: chr3-142568154-A-G. GRCh37 (hg19) VCF-style: chr3-142286996-A-G.
Other names: c.60T>C, p.Ser20= (NM_001354579.2).
Identifiers: ClinVar variation 2036240 (VCV002036240.4), dbSNP rs2473446517, ClinGen allele CA436130921.